The following is an entry in ClinVar:

ClinVar aggregate classification (germline): Likely benign. Review status: criteria provided, multiple submitters, no conflicts (2 of 4 stars). 4 submissions from 4 submitters: Likely benign (3). 1 of the submissions does not count toward it. Last evaluated 2026-01-28.

Conditions:
TNNI3K-related disorder. Also called: TNNI3K-related condition.

Allele frequency attached by ClinVar (database versions not stated): gnomAD exomes 0.00017 and 0.00039; ESP Exome Variant Server 0.00023; gnomAD 0.00029 and 0.00033; ExAC 0.00040; TOPMed 0.00051; 1000 Genomes Project 0.00100; 1000 Genomes Project 30x 0.00125.
gnomAD v4.1: 313 of 1,612,340 alleles (0.019%); highest among the groups gnomAD compares: Admixed American, 0.2%; no homozygotes.

Submissions (4):

Labcorp Genetics (formerly Invitae), Labcorp
Classification: Likely benign. Last evaluated: 2026-01-28. Review status: criteria provided, single submitter. Criteria: Invitae Variant Classification Sherloc (09022015). Collection method: clinical testing. Allele origin: germline.

Molecular Diagnostic Laboratory for Inherited Cardiovascular Disease, Montreal Heart Institute
Classification: Likely benign. Last evaluated: 2025-04-09. Review status: criteria provided, single submitter. Criteria: ACMG Guidelines, 2015. Collection method: clinical testing. Allele origin: germline. Affected: no.

Blueprint Genetics
Classification: Likely benign. Last evaluated: 2024-01-09. Review status: criteria provided, single submitter. Criteria: ACMG Guidelines, 2015. Collection method: clinical testing. Allele origin: germline.

PreventionGenetics, part of Exact Sciences
Classification: Likely benign for TNNI3K-related condition. Last evaluated: 2023-11-01. Review status: no assertion criteria provided. Collection method: clinical testing. Allele origin: germline. Not counted in ClinVar's aggregate classification.
Comment: This variant is classified as likely benign based on ACMG/AMP sequence variant interpretation guidelines (Richards et al. 2015 PMID: 25741868, with internal and published modifications).

NM_015978.3(TNNI3K):c.2149A>G (p.Met717Val)

Genes: FPGT-TNNI3K (FPGT-TNNI3K readthrough; plus strand), LRRC53 (leucine rich repeat containing 53; minus strand), TNNI3K (TNNI3 interacting kinase; plus strand). Cytogenetic location: 1p31.1.
Variant type: single nucleotide variant.
Coding change: c.2149A>G on transcript NM_015978.3 (MANE Select); coding-DNA position 2149, A replaced by G.
Protein change: p.Met717Val; replaces methionine 717 with valine.
Molecular consequence: missense variant. On other transcripts: intron variant (2).
Genome position (GRCh38, 1-based): chr1:74,489,216, A>G. VCF-style: chr1-74489216-A-G. GRCh37 (hg19) VCF-style: chr1-74954900-A-G.
Other names: c.2452A>G, p.Met818Val (NM_001112808.3); c.-8-8248T>C (NM_001364666.2); c.-26-5841T>C (NM_001382280.1); short protein forms M717V, M818V.
Identifiers: ClinVar variation 740641 (VCV000740641.13), dbSNP rs144008222, ClinGen allele CA909791.